The following is an entry in ClinVar:

NM_194248.3(OTOF):c.1397_1409del (p.Lys466fs)

Gene: OTOF (otoferlin; minus strand). Cytogenetic location: 2p23.3.
Variant type: Deletion.
Coding change: c.1397_1409del on transcript NM_194248.3 (MANE Select); coding-DNA positions 1397 to 1409, 13 bases deleted (AGACTTCAGTGCA).
Protein change: p.Lys466fs; shifts the reading frame from lysine 466.
Molecular consequence: frameshift variant.
Genome position (GRCh38, 1-based): chr2:26,482,576-26,482,588, TGCACTGAAGTCT deleted on the plus strand (AGACTTCAGTGCA on the coding strand, the reverse complement: OTOF is on the minus strand); deleting any 13 consecutive bases within chr2:26,482,576-26,482,591 gives the same sequence; the c. name uses the placement nearest the transcript's 3' end. VCF-style (leftmost placement, unchanged base first): chr2-26482575-CTGCACTGAAGTCT-C. GRCh37 (hg19) VCF-style: chr2-26705443-CTGCACTGAAGTCT-C.
Other names: c.1397_1409del, p.Lys466fs (NM_001287489.2); short protein forms K466fs.
Identifiers: ClinVar variation 421815 (VCV000421815.2), dbSNP rs1064795376, ClinGen allele CA16617523.

ClinVar aggregate classification (germline): Likely pathogenic (1 of 4 stars; one submission).

Submission:

GeneDx
Classification: Likely pathogenic. Last evaluated: 2016-07-25. Review status: criteria provided, single submitter. Criteria: GeneDx Variant Classification (06012015). Collection method: clinical testing. Allele origin: germline. Affected: yes.
Comment: The c.1397_1409del13 variant in the OTOF gene has not been reported previously as a pathogenic variant nor as a benign variant, to our knowledge. This variant causes a frameshift starting with codon Lysine 466, changes this amino acid to an Arginine residue, and creates a premature Stop codon at position 26 of the new reading frame, denoted p.Lys466ArgfsX26. This variant is predicted to cause loss of normal protein function either through protein truncation or nonsense-mediated mRNA decay. The c.1397_1409del13 variant was not observed in approximately 6500 individuals of European and African American ancestry in the NHLBI Exome Sequencing Project, indicating it is not a common benign variant in these populations. The c.1397_1409del13 variant is a strong candidate for a pathogenic variant; however, the possibility it may be a rare benign variant cannot be excluded.